The following is an entry in ClinVar:

NM_001292063.2(OTOG):c.7422del (p.Phe2474fs)

Gene: OTOG (otogelin; plus strand). Cytogenetic location: 11p15.1.
Variant type: Deletion.
Coding change: c.7422del on transcript NM_001292063.2 (MANE Select); coding-DNA position 7422, one base deleted (C; older notation c.7422delC).
Protein change: p.Phe2474fs; shifts the reading frame from phenylalanine 2474.
Molecular consequence: frameshift variant.
Genome position (GRCh38, 1-based): chr11:17,634,223, C deleted. VCF-style (leftmost placement, unchanged base first): chr11-17634222-TC-T. GRCh37 (hg19) VCF-style: chr11-17655769-TC-T.
Other names: c.7458del, p.Phe2486fs (NM_001277269.2); short protein forms F2486fs, F2474fs.
Identifiers: ClinVar variation 1456906 (VCV001456906.6), dbSNP rs2133707948, ClinGen allele CA2573146182.

ClinVar aggregate classification (germline): Pathogenic (1 of 4 stars; one submission).

Submission:

Labcorp Genetics (formerly Invitae), Labcorp
Classification: Pathogenic. Last evaluated: 2021-09-20. Review status: criteria provided, single submitter. Criteria: Invitae Variant Classification Sherloc (09022015). Collection method: clinical testing. Allele origin: germline.
Comment: For these reasons, this variant has been classified as Pathogenic. This variant has not been reported in the literature in individuals affected with OTOG-related conditions. This sequence change creates a premature translational stop signal (p.Phe2486Leufs*76) in the OTOG gene. It is expected to result in an absent or disrupted protein product. Loss-of-function variants in OTOG are known to be pathogenic (PMID: 23122587). The frequency data for this variant in the population databases is considered unreliable, as metrics indicate insufficient coverage at this position in the ExAC database.

Literature cited by the submitters: PubMed 23122587.